The following is an entry in ClinVar:

NM_000535.7(PMS2):c.224_232del (p.Val75_Glu77del)

Gene: PMS2 (PMS1 homolog 2, mismatch repair system component; minus strand). Cytogenetic location: 7p22.1.
Variant type: Deletion.
Coding change: c.224_232del on transcript NM_000535.7 (MANE Select); coding-DNA positions 224 to 232, 9 bases deleted (TAGAAGAAG; older notation c.224_232delTAGAAGAAG).
Protein change: p.Val75_Glu77del.
Molecular consequence: inframe deletion. On other transcripts: 5 prime UTR variant (9), non-coding transcript variant (1).
Genome position (GRCh38, 1-based): chr7:6,003,990-6,003,998, CTTCTTCTA deleted on the plus strand (TAGAAGAAG on the coding strand, the reverse complement: PMS2 is on the minus strand); deleting any 9 consecutive bases within chr7:6,003,990-6,003,999 gives the same sequence; the c. name uses the placement nearest the transcript's 3' end. VCF-style (leftmost placement, unchanged base first): chr7-6003989-TCTTCTTCTA-T. GRCh37 (hg19) VCF-style: chr7-6043620-TCTTCTTCTA-T.
Other names: c.-182_-174del (NM_001322003.2, NM_001322004.2, NM_001322005.2 and 3 more transcripts); c.224_232del, p.Val75_Glu77del (NM_001322006.2, NM_001322014.2); c.9_17del, p.Arg4_Arg6del (NM_001322007.2, NM_001322008.2); c.-661_-653del (NM_001322011.2, NM_001322012.2); c.-261_-253del (NM_001322015.2).
Identifiers: ClinVar variation 1021303 (VCV001021303.8), dbSNP rs1785415079, ClinGen allele CA1685262266.

ClinVar aggregate classification (germline): Uncertain significance (1 of 4 stars; one submission).

Conditions:
Hereditary nonpolyposis colorectal neoplasms. Identifiers: MedGen C0009405, MeSH D003123.

Submission:

Labcorp Genetics (formerly Invitae), Labcorp
Classification: Uncertain significance for Hereditary nonpolyposis colorectal neoplasms. Last evaluated: 2020-09-15. Review status: criteria provided, single submitter. Criteria: Invitae Variant Classification Sherloc (09022015). Collection method: clinical testing. Allele origin: germline.
Comment: In summary, the available evidence is currently insufficient to determine the role of this variant in disease. Therefore, it has been classified as a Variant of Uncertain Significance. Experimental studies and prediction algorithms are not available or were not evaluated, and the functional significance of this variant is currently unknown. This variant has not been reported in the literature in individuals with PMS2-related conditions. This variant is not present in population databases (ExAC no frequency). This variant, c.224_232del, results in the deletion of 3 amino acid(s) of the PMS2 protein (p.Val75_Glu77del), but otherwise preserves the integrity of the reading frame.